The following is an entry in ClinVar:

ClinVar aggregate classification (germline): Uncertain significance. Review status: criteria provided, multiple submitters, no conflicts (2 of 4 stars). 3 submissions from 3 submitters: Uncertain significance (3). Last evaluated 2026-02-01.

Conditions:
PLEC-related disorder. Also called: PLEC-related disorders; PLEC-related condition.
Autosomal recessive limb-girdle muscular dystrophy type 2Q (LGMDR17). Also called: MUSCULAR DYSTROPHY, LIMB-GIRDLE, AUTOSOMAL RECESSIVE 17. Identifiers: Orphanet 254361, MedGen C3150989, MONDO:0013390, OMIM 613723.
Epidermolysis bullosa simplex with nail dystrophy (EBS5D). Identifiers: MedGen C4225309, MONDO:0014661, OMIM 616487.
Epidermolysis bullosa simplex 5C, with pyloric atresia (EBS5C). Also called: PLEC-Related Epidermolysis Bullosa with Pyloric Atresia; Epidermolysis bullosa simplex with pyloric atresia; PLEC1-Related Epidermolysis Bullosa with Pyloric Atresia. Identifiers: Orphanet 158684, MedGen C2677349, MONDO:0012807, OMIM 612138.
Epidermolysis bullosa simplex, Ogna type (EBS5A). Also called: Pidermolysis bullosa simplex 5A, Ogna type; EPIDERMOLYSIS BULLOSA SIMPLEX 5A, OGNA TYPE. Identifiers: Orphanet 79401, MedGen C0432317, MONDO:0007555, OMIM 131950.
Epidermolysis bullosa simplex 5B, with muscular dystrophy (EBS5B). Also called: EPIDERMOLYSIS BULLOSA SIMPLEX AND LIMB-GIRDLE MUSCULAR DYSTROPHY; Epidermolysis bullosa simplex with muscular dystrophy. Identifiers: Orphanet 257, MedGen C2931072, MONDO:0009181, OMIM 226670.

Allele frequency attached by ClinVar (database versions not stated): TOPMed 0.00006.
gnomAD v4.1: 35 of 1,577,212 alleles (0.0022%); highest among the groups gnomAD compares: Admixed American, 0.021%; 1 homozygote.

Submissions (3):

Labcorp Genetics (formerly Invitae), Labcorp
Classification: Uncertain significance for Autosomal recessive limb-girdle muscular dystrophy type 2Q; Epidermolysis bullosa simplex, Ogna type; Epidermolysis bullosa simplex with nail dystrophy; Epidermolysis bullosa simplex 5C, with pyloric atresia; Epidermolysis bullosa simplex 5B, with muscular dystrophy. Last evaluated: 2026-02-01. Review status: criteria provided, single submitter. Criteria: Invitae Variant Classification Sherloc (09022015). Collection method: clinical testing. Allele origin: germline.
Comment: This sequence change replaces arginine, which is basic and polar, with glutamine, which is neutral and polar, at codon 2073 of the PLEC protein (p.Arg2073Gln). This variant is present in population databases (rs368319141, gnomAD 0.03%). This variant has not been reported in the literature in individuals affected with PLEC-related conditions. ClinVar contains an entry for this variant (Variation ID: 471625). An algorithm developed to predict the effect of missense changes on protein structure and function (PolyPhen-2) suggests that this variant is likely to be tolerated. In summary, the available evidence is currently insufficient to determine the role of this variant in disease. Therefore, it has been classified as a Variant of Uncertain Significance.

PreventionGenetics, part of Exact Sciences
Classification: Uncertain significance for PLEC-related condition. Last evaluated: 2025-11-25. Review status: criteria provided, single submitter. Criteria: ACMG Guidelines, 2015. Collection method: clinical testing. Allele origin: germline.
Comment: The PLEC c.6218G>A variant is predicted to result in the amino acid substitution p.Arg2073Gln. To our knowledge, this variant has not been reported in the literature. This variant is reported in 0.028% of alleles in individuals of Latino descent in gnomAD. At this time, the clinical significance of this variant is uncertain due to the absence of conclusive functional and genetic evidence.

Mayo Clinic Laboratories, Mayo Clinic
Classification: Uncertain significance. Last evaluated: 2025-04-21. Review status: criteria provided, single submitter. Criteria: ACMG Guidelines, 2015. Collection method: clinical testing. Allele origin: germline. Observed: 1 variant allele.
Comment: BP4

NM_201384.3(PLEC):c.6137G>A (p.Arg2046Gln)

Gene: PLEC (plectin; minus strand). Cytogenetic location: 8q24.3.
Variant type: single nucleotide variant.
Coding change: c.6137G>A on transcript NM_201384.3 (MANE Select); coding-DNA position 6137, G replaced by A.
Protein change: p.Arg2046Gln; replaces arginine 2046 with glutamine.
Molecular consequence: missense variant.
Genome position (GRCh38, 1-based): chr8:143,923,792, C>T on the plus strand (G>A on the coding strand, the complement: PLEC is on the minus strand). VCF-style: chr8-143923792-C-T. GRCh37 (hg19) VCF-style: chr8-144997960-C-T.
Other names: p.Arg2073Gln; c.6218G>A, p.Arg2073Gln (NM_000445.5); c.6095G>A, p.Arg2032Gln (NM_201378.4); c.6071G>A, p.Arg2024Gln (NM_201379.3); c.6548G>A, p.Arg2183Gln (NM_201380.4); c.6041G>A, p.Arg2014Gln (NM_201381.3); c.6137G>A, p.Arg2046Gln (NM_201382.4); c.6149G>A, p.Arg2050Gln (NM_201383.3); short protein forms R2014Q, R2183Q, R2050Q, R2073Q, R2046Q, R2024Q, R2032Q.
Identifiers: ClinVar variation 471625 (VCV000471625.14), dbSNP rs368319141, ClinGen allele CA4926096.
Genomic context (GRCh38, chr8:143,923,792, plus strand): 5'-TGTAGCTCCTGCTCCTTCTGCTGCACCGCGAAGGCGTGTGCCTTCTCTTCCGCCTGCAGC[C>T]GCTTCTGGGCGGCCTCCTGGGCCAGCTGCAGCTGCCGCGCCGACTCCTGCTCCGCTCGCT-3'
Protein context (NP_958786.1, residues 2036-2056): LQLAQEAAQK[Arg2046Gln]LQAEEKAHAF